The following is an entry in ClinVar:

ClinVar aggregate classification (germline): Uncertain significance (1 of 4 stars; one submission).

Allele frequency attached by ClinVar (database versions not stated): gnomAD exomes below 0.00001; ExAC 0.00001.
gnomAD v4.1: 2 of 1,613,094 alleles (0.00012%); highest among the groups gnomAD compares: Admixed American, 0.0017%; no homozygotes.

Submission:

Mayo Clinic Laboratories, Mayo Clinic
Classification: Uncertain significance. Last evaluated: 2022-12-23. Review status: criteria provided, single submitter. Criteria: ACMG Guidelines, 2015. Collection method: clinical testing. Allele origin: germline. Observed: 1 variant allele.
Comment: BP4, PM2

Literature cited by the submitters: PubMed 23810505.

NM_000492.4(CFTR):c.2510T>C (p.Met837Thr)

Gene: CFTR (CF transmembrane conductance regulator; plus strand). Cytogenetic location: 7q31.2.
Variant type: single nucleotide variant.
Coding change: c.2510T>C on transcript NM_000492.4 (MANE Select); coding-DNA position 2510, T replaced by C.
Protein change: p.Met837Thr; replaces methionine 837 with threonine.
Molecular consequence: missense variant.
Genome position (GRCh38, 1-based): chr7:117,594,949, T>C. VCF-style: chr7-117594949-T-C. GRCh37 (hg19) VCF-style: chr7-117235003-T-C.
Other names: p.Met837Thr; short protein forms M837T.
Identifiers: ClinVar variation 2682995 (VCV002682995.1), dbSNP rs752086705, ClinGen allele CA4451216.